The following is an entry in ClinVar:

ClinVar aggregate classification (germline): Uncertain significance (1 of 4 stars; one submission).

gnomAD v4.1: 3 of 1,548,554 alleles (0.00019%); highest among the groups gnomAD compares: Non-Finnish European, 0.00026%; no homozygotes.

Submission:

Ambry Genetics
Classification: Uncertain significance. Last evaluated: 2023-10-09. Review status: criteria provided, single submitter. Criteria: Ambry Variant Classification Scheme 2023. Collection method: clinical testing. Allele origin: germline.
Comment: The p.R129W variant (also known as c.385C>T), located in coding exon 1 of the TERF2IP gene, results from a C to T substitution at nucleotide position 385. The arginine at codon 129 is replaced by tryptophan, an amino acid with dissimilar properties. This amino acid position is conserved. In addition, this alteration is predicted to be tolerated by in silico analysis. Since supporting evidence is limited at this time, the clinical significance of this alteration remains unclear.

NM_018975.4(TERF2IP):c.385C>T (p.Arg129Trp)

Gene: TERF2IP (TERF2 interacting protein; plus strand). Cytogenetic location: 16q23.1.
Variant type: single nucleotide variant.
Coding change: c.385C>T on transcript NM_018975.4 (MANE Select); coding-DNA position 385, C replaced by T.
Protein change: p.Arg129Trp; replaces arginine 129 with tryptophan.
Molecular consequence: missense variant. On other transcripts: non-coding transcript variant (1).
Genome position (GRCh38, 1-based): chr16:75,648,267, C>T. VCF-style: chr16-75648267-C-T. GRCh37 (hg19) VCF-style: chr16-75682165-C-T.
Other names: short protein forms R129W.
Identifiers: ClinVar variation 1735590 (VCV001735590.2), dbSNP rs2082317976, ClinGen allele CA396817794.